The following is an entry in ClinVar:

ClinVar aggregate classification (germline): Likely pathogenic (1 of 4 stars; one submission).

Conditions:
Lamb-Shaffer syndrome. Identifiers: Orphanet 313884, Orphanet 313892, Orphanet 530983, MedGen C4225202, MONDO:0014778, OMIM 616803.

Submission:

Juno Genomics, Hangzhou Juno Genomics, Inc
Classification: Likely pathogenic for Lamb-Shaffer syndrome. Review status: criteria provided, single submitter. Criteria: ACMG Guidelines, 2015. Collection method: clinical testing. Allele origin: germline.
Comment: Null variant in a gene where loss of function (LOF) is a known mechanism of disease.;Absent from controls (or at extremely low frequency if recessive) in Genome Aggregation Database.

NM_006940.6(SOX5):c.1869dup (p.Lys624Ter)

Gene: SOX5 (SRY-box transcription factor 5; minus strand). Cytogenetic location: 12p12.1.
Variant type: Duplication.
Coding change: c.1869dup on transcript NM_006940.6 (MANE Select); coding-DNA position 1869, one base duplicated (T; older notation c.1869dupT).
Protein change: p.Lys624Ter; replaces lysine 624 with a stop codon.
Molecular consequence: nonsense.
Genome position (GRCh38, 1-based): chr12:23,536,572, A duplicated on the plus strand (T on the coding strand, the reverse complement: SOX5 is on the minus strand). VCF-style (leftmost placement, unchanged base first): chr12-23536571-T-TA. GRCh37 (hg19) VCF-style: chr12-23689505-T-TA.
Other names: c.1506dup, p.Lys503Ter (NM_001261414.3); c.1839dup, p.Lys614Ter (NM_001261415.3); c.1764dup, p.Lys589Ter (NM_001330785.2); c.1830dup, p.Lys611Ter (NM_152989.5); c.711dup, p.Lys238Ter (NM_178010.4); short protein forms K503*, K589*, K611*, K614*, K624*, K238*.
Identifiers: ClinVar variation 5005080 (VCV005005080.2).
Genomic context (GRCh38, chr12:23,536,571, plus strand): 5'-CACCAATGCGCAGCTTTTTGCCATCCACCAGGCAGGTGCGCTTTGGCCTGGGCTTGTACT[T>TA]ATAGTCAGGGTACTTCTCCAGGTGCTGCTTGCTGAGACGGGCTTGCTCCTCATAATATGG-3'